The following is an entry in ClinVar:

NM_006662.3(SRCAP):c.9052C>T (p.Arg3018Trp)

Gene: SRCAP (Snf2 related CREBBP activator protein; plus strand). Cytogenetic location: 16p11.2.
Variant type: single nucleotide variant.
Coding change: c.9052C>T on transcript NM_006662.3 (MANE Select); coding-DNA position 9052, C replaced by T.
Protein change: p.Arg3018Trp; replaces arginine 3018 with tryptophan.
Molecular consequence: missense variant.
Genome position (GRCh38, 1-based): chr16:30,739,092, C>T. VCF-style: chr16-30739092-C-T. GRCh37 (hg19) VCF-style: chr16-30750413-C-T.
Other names: c.9052C>T (NM_006662.2); short protein forms R3018W.
Identifiers: ClinVar variation 2986561 (VCV002986561.5), dbSNP rs867520754, ClinGen allele CA280525406.

ClinVar aggregate classification (germline): Conflicting classifications of pathogenicity. Review status: criteria provided, conflicting classifications (1 of 4 stars). 3 submissions from 3 submitters: Uncertain significance (2); Likely benign (1). Last evaluated 2025-09-25.

Conditions:
Inborn genetic diseases. Identifiers: MedGen C0950123, MeSH D030342.
Developmental delay, hypotonia, musculoskeletal defects, and behavioral abnormalities. Identifiers: MedGen C5562012, MONDO:0859202, OMIM 619595.
Floating-Harbor syndrome (FLHS). Also called: SRCAP-Related Floating-Harbor Syndrome; Short stature with delayed bone age, expressive language delay, a triangular face with a prominent nose and deep-set eyes; Pelletier-Leisti syndrome. Identifiers: Orphanet 2044, MedGen C0729582, MONDO:0007621, OMIM 136140.

Allele frequency attached by ClinVar (database versions not stated): gnomAD 0.00001; TOPMed 0.00001; gnomAD exomes 0.00002.
gnomAD v4.1: 31 of 1,614,110 alleles (0.0019%); highest among the groups gnomAD compares: Middle Eastern, 0.16%; no homozygotes.

Submissions (3):

Ambry Genetics
Classification: Uncertain significance for Inborn genetic diseases. Last evaluated: 2025-09-25. Review status: criteria provided, single submitter. Criteria: Ambry Variant Classification Scheme 2023. Collection method: clinical testing. Allele origin: germline.

Labcorp Genetics (formerly Invitae), Labcorp
Classification: Uncertain significance. Last evaluated: 2025-07-31. Review status: criteria provided, single submitter. Criteria: Invitae Variant Classification Sherloc (09022015). Collection method: clinical testing. Allele origin: germline.
Comment: This sequence change replaces arginine, which is basic and polar, with tryptophan, which is neutral and slightly polar, at codon 3018 of the SRCAP protein (p.Arg3018Trp). This variant is present in population databases (no rsID available, gnomAD 0.002%). This variant has not been reported in the literature in individuals affected with SRCAP-related conditions. ClinVar contains an entry for this variant (Variation ID: 2986561). Invitae Evidence Modeling of protein sequence and biophysical properties (such as structural, functional, and spatial information, amino acid conservation, physicochemical variation, residue mobility, and thermodynamic stability) indicates that this missense variant is not expected to disrupt SRCAP protein function with a negative predictive value of 80%. In summary, the available evidence is currently insufficient to determine the role of this variant in disease. Therefore, it has been classified as a Variant of Uncertain Significance.

Fulgent Genetics
Classification: Likely benign for Floating-Harbor syndrome; Developmental delay, hypotonia, musculoskeletal defects, and behavioral abnormalities. Last evaluated: 2024-02-05. Review status: criteria provided, single submitter. Criteria: ACMG Guidelines, 2015. Collection method: clinical testing. Allele origin: germline.